The following is an entry in ClinVar:

NM_001291303.3(FAT4):c.528C>G (p.Ile176Met)

Gene: FAT4 (FAT atypical cadherin 4; plus strand). Cytogenetic location: 4q28.1.
Variant type: single nucleotide variant.
Coding change: c.528C>G on transcript NM_001291303.3 (MANE Select); coding-DNA position 528, C replaced by G.
Protein change: p.Ile176Met; replaces isoleucine 176 with methionine.
Molecular consequence: missense variant.
Genome position (GRCh38, 1-based): chr4:125,316,939, C>G. VCF-style: chr4-125316939-C-G. GRCh37 (hg19) VCF-style: chr4-126238094-C-G.
Other names: c.528C>G (NM_024582.4); c.528C>G, p.Ile176Met (NM_001291285.3, NM_024582.6); short protein forms I176M.
Identifiers: ClinVar variation 2421979 (VCV002421979.6), dbSNP rs1309666666, ClinGen allele CA358115991.

ClinVar aggregate classification (germline): Uncertain significance. Review status: criteria provided, multiple submitters, no conflicts (2 of 4 stars). 2 submissions from 2 submitters: Uncertain significance (2). Last evaluated 2025-09-26.

Conditions:
Inborn genetic diseases. Identifiers: MedGen C0950123, MeSH D030342.

Allele frequency attached by ClinVar (database versions not stated): gnomAD exomes below 0.00001; TOPMed below 0.00001; gnomAD 0.00001.
gnomAD v4.1: 2 of 1,613,876 alleles (0.00012%); highest among the groups gnomAD compares: Admixed American, 0.0017%; no homozygotes.

Submissions (2):

Ambry Genetics
Classification: Uncertain significance for Inborn genetic diseases. Last evaluated: 2025-09-26. Review status: criteria provided, single submitter. Criteria: Ambry Variant Classification Scheme 2023. Collection method: clinical testing. Allele origin: germline.

Labcorp Genetics (formerly Invitae), Labcorp
Classification: Uncertain significance. Last evaluated: 2022-07-11. Review status: criteria provided, single submitter. Criteria: Invitae Variant Classification Sherloc (09022015). Collection method: clinical testing. Allele origin: germline.
Comment: In summary, the available evidence is currently insufficient to determine the role of this variant in disease. Therefore, it has been classified as a Variant of Uncertain Significance. Advanced modeling of protein sequence and biophysical properties (such as structural, functional, and spatial information, amino acid conservation, physicochemical variation, residue mobility, and thermodynamic stability) performed at Invitae indicates that this missense variant is not expected to disrupt FAT4 protein function. This variant has not been reported in the literature in individuals affected with FAT4-related conditions. This variant is not present in population databases (gnomAD no frequency). This sequence change replaces isoleucine, which is neutral and non-polar, with methionine, which is neutral and non-polar, at codon 176 of the FAT4 protein (p.Ile176Met).